The following is an entry in ClinVar:

ClinVar aggregate classification (germline): Uncertain significance. Review status: criteria provided, multiple submitters, no conflicts (2 of 4 stars). 2 submissions from 2 submitters: Uncertain significance (2). Last evaluated 2025-04-04.

gnomAD v4.1: 38 of 1,613,838 alleles (0.0024%); highest among the groups gnomAD compares: Admixed American, 0.063%; 1 homozygote.

Submissions (2):

Ambry Genetics
Classification: Uncertain significance. Last evaluated: 2025-04-04. Review status: criteria provided, single submitter. Criteria: Ambry Variant Classification Scheme 2023. Collection method: clinical testing. Allele origin: germline.

Labcorp Genetics (formerly Invitae), Labcorp
Classification: Uncertain significance. Last evaluated: 2024-01-15. Review status: criteria provided, single submitter. Criteria: Invitae Variant Classification Sherloc (09022015). Collection method: clinical testing. Allele origin: germline.
Comment: This sequence change replaces alanine, which is neutral and non-polar, with aspartic acid, which is acidic and polar, at codon 1125 of the SBF1 protein (p.Ala1125Asp). This variant is present in population databases (rs371384320, gnomAD 0.1%). This variant has not been reported in the literature in individuals affected with SBF1-related conditions. ClinVar contains an entry for this variant (Variation ID: 1437110). Advanced modeling of protein sequence and biophysical properties (such as structural, functional, and spatial information, amino acid conservation, physicochemical variation, residue mobility, and thermodynamic stability) has been performed at Invitae for this missense variant, however the output from this modeling did not meet the statistical confidence thresholds required to predict the impact of this variant on SBF1 protein function. In summary, the available evidence is currently insufficient to determine the role of this variant in disease. Therefore, it has been classified as a Variant of Uncertain Significance.

NM_002972.4(SBF1):c.3374C>A (p.Ala1125Asp)

Gene: SBF1 (SET binding factor 1; minus strand). Cytogenetic location: 22q13.33.
Variant type: single nucleotide variant.
Coding change: c.3374C>A on transcript NM_002972.4 (MANE Select); coding-DNA position 3374, C replaced by A.
Protein change: p.Ala1125Asp; replaces alanine 1125 with aspartic acid.
Molecular consequence: missense variant.
Genome position (GRCh38, 1-based): chr22:50,460,069, G>T on the plus strand (C>A on the coding strand, the complement: SBF1 is on the minus strand). VCF-style: chr22-50460069-G-T. GRCh37 (hg19) VCF-style: chr22-50898498-G-T.
Other names: c.3377C>A, p.Ala1126Asp (NM_001365819.1); c.3374C>A (NM_002972.2); short protein forms A1125D, A1126D.
Identifiers: ClinVar variation 1437110 (VCV001437110.7), dbSNP rs371384320, ClinGen allele CA10316740.